The following is an entry in ClinVar:

ClinVar aggregate classification (germline): Likely benign (1 of 4 stars; one submission).

Allele frequency attached by ClinVar (database versions not stated): 1000 Genomes Project 0.01458; 1000 Genomes Project 30x 0.01499; ESP Exome Variant Server 0.01531; TOPMed 0.01556.
gnomAD v4.1: 4,204 of 1,546,860 alleles (0.27%); highest among the groups gnomAD compares: African/African-American, 4.9%; 100 homozygotes.

Submission:

GeneDx
Classification: Likely benign. Last evaluated: 2020-10-03. Review status: criteria provided, single submitter. Criteria: GeneDx Variant Classification Process June 2021. Collection method: clinical testing. Allele origin: germline. Affected: yes.
Comment: See Variant Classification Assertion Criteria.

NM_000336.3(SCNN1B):c.1542+45A>G

Gene: SCNN1B (sodium channel epithelial 1 subunit beta; plus strand). Cytogenetic location: 16p12.2.
Variant type: single nucleotide variant.
Coding change: c.1542+45A>G on transcript NM_000336.3 (MANE Select); 45 bases into the intron after coding-DNA position 1542, A replaced by G.
Molecular consequence: intron variant.
Genome position (GRCh38, 1-based): chr16:23,380,214, A>G. VCF-style: chr16-23380214-A-G. GRCh37 (hg19) VCF-style: chr16-23391535-A-G.
Identifiers: ClinVar variation 1707353 (VCV001707353.2), dbSNP rs116554485, ClinGen allele CA7960565.
Genomic context (GRCh38, chr16:23,380,214, plus strand): 5'-ATCAGCAGCCAATAACGTGAGTTTAGGAGTCTCCCAATACCCCAGCCCTGCCCTGCCCTG[A>G]CCCCTGCACCCTGAGGGTGGGGGAAGGGTTCTGAGCCCTATGAAGGAATTAGGAAGATCC-3'